The following is an entry in ClinVar:

NM_004415.4(DSP):c.6592C>G (p.Leu2198Val)

Gene: DSP (desmoplakin; plus strand). Cytogenetic location: 6p24.3.
Variant type: single nucleotide variant.
Coding change: c.6592C>G on transcript NM_004415.4 (MANE Select); coding-DNA position 6592, C replaced by G.
Protein change: p.Leu2198Val; replaces leucine 2198 with valine.
Molecular consequence: missense variant.
Genome position (GRCh38, 1-based): chr6:7,583,854, C>G. VCF-style: chr6-7583854-C-G. GRCh37 (hg19) VCF-style: chr6-7584087-C-G.
Other names: c.6592C>G (LRG_423t1, NM_004415.3); c.4795C>G, p.Leu1599Val (NM_001008844.3); c.5263C>G, p.Leu1755Val (NM_001319034.2); short protein forms L2198V, L1599V, L1755V.
Identifiers: ClinVar variation 629555 (VCV000629555.22), dbSNP rs752057967, ClinGen allele CA048048.

ClinVar aggregate classification (germline): Uncertain significance. Review status: criteria provided, multiple submitters, no conflicts (2 of 4 stars). 5 submissions from 5 submitters: Uncertain significance (5). Last evaluated 2026-08-05.

Conditions:
Cardiovascular phenotype. Identifiers: MedGen CN230736.
Cardiomyopathy (CMYO). Also called: Cardiomyopathies. Identifiers: Orphanet 167848, MedGen C0878544, MONDO:0004994, HP:0001638. Inheritance: Various modes of inheritance.
DSP-related disorder. Also called: DSP-related condition; DSP-related disorders.
Arrhythmogenic right ventricular dysplasia 8 (ARVD8). Also called: Arrhythmogenic Right Ventricular Dysplasia/Cardiomyopathy 8; ARRHYTHMOGENIC RIGHT VENTRICULAR CARDIOMYOPATHY 8; ARRHYTHMOGENIC RIGHT VENTRICULAR DYSPLASIA, FAMILIAL, 8. Identifiers: MedGen C1843896, MONDO:0011831, OMIM 607450.
Arrhythmogenic cardiomyopathy with wooly hair and keratoderma. Also called: Dilated cardiomyopathy with woolly hair and keratoderma; PALMOPLANTAR KERATODERMA WITH LEFT VENTRICULAR CARDIOMYOPATHY AND WOOLLY HAIR; Carvajal syndrome; Arrhythmogenic cardiomyopathy with woolly hair and keratoderma. Identifiers: Orphanet 65282, MedGen C1854063, MONDO:0011581, OMIM 605676.

Allele frequency attached by ClinVar (database versions not stated): gnomAD exomes below 0.00001 and 0.00003; ExAC 0.00001; gnomAD 0.00001; TOPMed 0.00003.
gnomAD v4.1: 41 of 1,614,012 alleles (0.0025%); highest among the groups gnomAD compares: Non-Finnish European, 0.0033%; no homozygotes.

Submissions (5):

GeneDx
Classification: Uncertain significance. Last evaluated: 2026-08-05. Review status: criteria provided, single submitter. Criteria: GeneDx Variant Classification Process June 2021. Collection method: clinical testing. Allele origin: germline.
Comment: Not observed at significant frequency in large population cohorts (gnomAD); In silico analysis suggests that this missense variant does not alter protein structure/function; This variant is associated with the following publications: (PMID: 38218330)

Labcorp Genetics (formerly Invitae), Labcorp
Classification: Uncertain significance for Arrhythmogenic cardiomyopathy with wooly hair and keratoderma; Arrhythmogenic right ventricular dysplasia 8. Last evaluated: 2026-01-05. Review status: criteria provided, single submitter. Criteria: Invitae Variant Classification Sherloc (09022015). Collection method: clinical testing. Allele origin: germline.
Comment: This sequence change replaces leucine, which is neutral and non-polar, with valine, which is neutral and non-polar, at codon 2198 of the DSP protein (p.Leu2198Val). This variant is present in population databases (rs752057967, gnomAD 0.0009%). This variant has not been reported in the literature in individuals affected with DSP-related conditions. ClinVar contains an entry for this variant (Variation ID: 629555). An algorithm developed to predict the effect of missense changes on protein structure and function (PolyPhen-2) suggests that this variant is likely to be disruptive. In summary, the available evidence is currently insufficient to determine the role of this variant in disease. Therefore, it has been classified as a Variant of Uncertain Significance.

PreventionGenetics, part of Exact Sciences
Classification: Uncertain significance for DSP-related condition. Last evaluated: 2025-11-21. Review status: criteria provided, single submitter. Criteria: ACMG Guidelines, 2015. Collection method: clinical testing. Allele origin: germline.
Comment: The DSP c.6592C>G variant is predicted to result in the amino acid substitution p.Leu2198Val. To our knowledge, this variant has not been reported in the literature. This variant is reported in 0.00088% of alleles in individuals of European (Non-Finnish) descent in gnomAD. At this time, the clinical significance of this variant is uncertain due to the absence of conclusive functional and genetic evidence.

Ambry Genetics
Classification: Uncertain significance for Cardiovascular phenotype. Last evaluated: 2024-05-19. Review status: criteria provided, single submitter. Criteria: Ambry Variant Classification Scheme 2023. Collection method: clinical testing. Allele origin: germline.
Comment: The p.L2198V variant (also known as c.6592C>G), located in coding exon 24 of the DSP gene, results from a C to G substitution at nucleotide position 6592. The leucine at codon 2198 is replaced by valine, an amino acid with highly similar properties. This amino acid position is conserved. In addition, this alteration is predicted to be tolerated by in silico analysis. Since supporting evidence is limited at this time, the clinical significance of this alteration remains unclear.

Color Diagnostics, LLC DBA Color Health
Classification: Uncertain significance for Cardiomyopathy. Last evaluated: 2024-03-06. Review status: criteria provided, single submitter. Criteria: ACMG Guidelines, 2015. Collection method: clinical testing. Allele origin: germline.
Comment: This missense variant replaces leucine with valine at codon 2198 of the DSP protein. Computational prediction suggests that this variant may not impact protein structure and function (internally defined REVEL score threshold <= 0.5, PMID: 27666373). To our knowledge, functional studies have not been reported for this variant. This variant has not been reported in individuals affected with cardiovascular disorders in the literature. This variant has been identified in 1/251462 chromosomes in the general population by the Genome Aggregation Database (gnomAD). The available evidence is insufficient to determine the role of this variant in disease conclusively. Therefore, this variant is classified as a Variant of Uncertain Significance.